The following is an entry in ClinVar:

NM_018717.5(MAML3):c.1527A>G (p.Gln509=)

Gene: MAML3 (mastermind like transcriptional coactivator 3; minus strand). Cytogenetic location: 4q31.1.
Variant type: single nucleotide variant.
Coding change: c.1527A>G on transcript NM_018717.5 (MANE Select); coding-DNA position 1527, A replaced by G.
Protein change: p.Gln509=; no amino-acid change (glutamine 509 retained).
Molecular consequence: synonymous variant.
Genome position (GRCh38, 1-based): chr4:139,889,909, T>C on the plus strand (A>G on the coding strand, the complement: MAML3 is on the minus strand). VCF-style: chr4-139889909-T-C. GRCh37 (hg19) VCF-style: chr4-140811063-T-C.
Identifiers: ClinVar variation 4820898 (VCV004820898.4).

ClinVar aggregate classification (germline): Likely benign (1 of 4 stars; one submission).

Submission:

CeGaT Center for Human Genetics Tuebingen
Classification: Likely benign. Last evaluated: 2026-01-01. Review status: criteria provided, single submitter. Criteria: CeGaT Center For Human Genetics Tuebingen Variant Classification Criteria Version 2. Collection method: clinical testing. Allele origin: germline. Affected: yes. Observed: 1 variant allele.
Comment: MAML3: BP4, BP7